The following is an entry in ClinVar:

NM_016169.4(SUFU):c.1252G>C (p.Ala418Pro)

Gene: SUFU (SUFU negative regulator of hedgehog signaling; plus strand). Cytogenetic location: 10q24.32.
Variant type: single nucleotide variant.
Coding change: c.1252G>C on transcript NM_016169.4 (MANE Select); coding-DNA position 1252, G replaced by C.
Protein change: p.Ala418Pro; replaces alanine 418 with proline.
Molecular consequence: missense variant.
Genome position (GRCh38, 1-based): chr10:102,617,384, G>C. VCF-style: chr10-102617384-G-C. GRCh37 (hg19) VCF-style: chr10-104377141-G-C.
Other names: c.1252G>C, p.Ala418Pro (NM_001178133.2); short protein forms A418P.
Identifiers: ClinVar variation 863162 (VCV000863162.10), dbSNP rs2063698088, ClinGen allele CA377916609.

ClinVar aggregate classification (germline): Uncertain significance (1 of 4 stars; one submission).

Conditions:
Gorlin syndrome. Also called: Nevoid Basal Cell Carcinoma Syndrome; Basal cell nevus syndrome. Identifiers: Orphanet 377, MedGen C0004779, MONDO:0007187.
Medulloblastoma (MDB). Also called: Medulloblastoma, somatic; MEDULLOBLASTOMA PREDISPOSITION SYNDROME. Identifiers: Orphanet 616, MedGen C0025149, MeSH D008527, MONDO:0007959, OMIM 155255, HP:0002885.

Submission:

Labcorp Genetics (formerly Invitae), Labcorp
Classification: Uncertain significance for Gorlin syndrome; Medulloblastoma. Last evaluated: 2019-03-07. Review status: criteria provided, single submitter. Criteria: Invitae Variant Classification Sherloc (09022015). Collection method: clinical testing. Allele origin: germline.
Comment: In summary, the available evidence is currently insufficient to determine the role of this variant in disease. Therefore, it has been classified as a Variant of Uncertain Significance. Algorithms developed to predict the effect of missense changes on protein structure and function do not agree on the potential impact of this missense change (SIFT: "Deleterious"; PolyPhen-2: "Probably Damaging"; Align-GVGD: "Class C0"). This variant has not been reported in the literature in individuals with SUFU-related disease. This variant is not present in population databases (ExAC no frequency). This sequence change replaces alanine with proline at codon 418 of the SUFU protein (p.Ala418Pro). The alanine residue is highly conserved and there is a small physicochemical difference between alanine and proline.